The following is an entry in ClinVar:

NM_012293.3(PXDN):c.921A>G (p.Thr307=)

Gene: PXDN (peroxidasin; minus strand). Cytogenetic location: 2p25.3.
Variant type: single nucleotide variant.
Coding change: c.921A>G on transcript NM_012293.3 (MANE Select); coding-DNA position 921, A replaced by G.
Protein change: p.Thr307=; no amino-acid change (threonine 307 retained).
Molecular consequence: synonymous variant.
Genome position (GRCh38, 1-based): chr2:1,673,740, T>C on the plus strand (A>G on the coding strand, the complement: PXDN is on the minus strand). VCF-style: chr2-1673740-T-C. GRCh37 (hg19) VCF-style: chr2-1677512-T-C.
Identifiers: ClinVar variation 707137 (VCV000707137.12), dbSNP rs117914830, ClinGen allele CA1513493.

ClinVar aggregate classification (germline): Benign/Likely benign. Review status: criteria provided, multiple submitters, no conflicts (2 of 4 stars). 3 submissions from 3 submitters: Benign (1); Likely benign (1). 1 of the submissions does not count toward it. Last evaluated 2025-07-21.

Conditions:
PXDN-related disorder. Also called: PXDN-related condition.
Anterior segment dysgenesis 7 (ASGD7). Also called: SCLEROCORNEA WITH OTHER OCULAR ANOMALIES; Anterior segment dysgenesis 7, with sclerocornea. Identifiers: Orphanet 289499, MedGen C3151617, MONDO:0010015, OMIM 269400.

Allele frequency attached by ClinVar (database versions not stated): ESP Exome Variant Server 0.00008; gnomAD exomes 0.00025 and 0.00100; gnomAD 0.00043 and 0.00050; TOPMed 0.00059; ExAC 0.00096; 1000 Genomes Project 0.00220; 1000 Genomes Project 30x 0.00265.
gnomAD v4.1: 479 of 1,614,024 alleles (0.03%); highest among the groups gnomAD compares: East Asian, 0.85%; 6 homozygotes.

Submissions (3):

Labcorp Genetics (formerly Invitae), Labcorp
Classification: Benign for Anterior segment dysgenesis 7. Last evaluated: 2025-07-21. Review status: criteria provided, single submitter. Criteria: Invitae Variant Classification Sherloc (09022015). Collection method: clinical testing. Allele origin: germline.

Blueprint Genetics
Classification: Likely benign. Last evaluated: 2024-11-26. Review status: criteria provided, single submitter. Criteria: ACMG Guidelines, 2015. Collection method: clinical testing. Allele origin: germline.

PreventionGenetics, part of Exact Sciences
Classification: Benign for PXDN-related condition. Last evaluated: 2019-04-01. Review status: no assertion criteria provided. Collection method: clinical testing. Allele origin: germline. Not counted in ClinVar's aggregate classification.
Comment: This variant is classified as benign based on ACMG/AMP sequence variant interpretation guidelines (Richards et al. 2015 PMID: 25741868, with internal and published modifications).